The following is an entry in ClinVar:

ClinVar aggregate classification (germline): Uncertain significance (1 of 4 stars; one submission).

Conditions:
Hereditary cancer-predisposing syndrome. Also called: Neoplastic Syndromes, Hereditary; Tumor predisposition; Hereditary Cancer Syndrome; Hereditary neoplastic syndrome. Identifiers: Orphanet 140162, MedGen C0027672, MeSH D009386, MONDO:0015356.

Submission:

Ambry Genetics
Classification: Uncertain significance for Hereditary cancer-predisposing syndrome. Last evaluated: 2022-08-30. Review status: criteria provided, single submitter. Criteria: Ambry Variant Classification Scheme 2023. Collection method: clinical testing. Allele origin: germline.
Comment: The p.F213C variant (also known as c.638T>G), located in coding exon 7 of the CDC73 gene, results from a T to G substitution at nucleotide position 638. The phenylalanine at codon 213 is replaced by cysteine, an amino acid with highly dissimilar properties. This amino acid position is conserved. In addition, this alteration is predicted to be deleterious by in silico analysis. Since supporting evidence is limited at this time, the clinical significance of this alteration remains unclear.

NM_024529.5(CDC73):c.638T>G (p.Phe213Cys)

Gene: CDC73 (cell division cycle 73; plus strand). Cytogenetic location: 1q31.2.
Variant type: single nucleotide variant.
Coding change: c.638T>G on transcript NM_024529.5 (MANE Select); coding-DNA position 638, T replaced by G.
Protein change: p.Phe213Cys; replaces phenylalanine 213 with cysteine.
Molecular consequence: missense variant.
Genome position (GRCh38, 1-based): chr1:193,141,975, T>G. VCF-style: chr1-193141975-T-G. GRCh37 (hg19) VCF-style: chr1-193111105-T-G.
Other names: short protein forms F213C.
Identifiers: ClinVar variation 1753233 (VCV001753233.2), dbSNP rs2527324569, ClinGen allele CA343962634.
Genomic context (GRCh38, chr1:193,141,975, plus strand): 5'-AAAGATCTACTATCAAGACTGATCTAGATGATGACATAACTGCCCTTAAACAGAGGAGTT[T>G]TGTGGATGCTGAGGTAGATGTGACCCGAGATATTGTCAGCAGAGAGAGAGTATGGAGGAC-3'
Protein context (NP_078805.3, residues 203-223): DDITALKQRS[Phe213Cys]VDAEVDVTRD